The following is an entry in ClinVar:

ClinVar aggregate classification (germline): Uncertain significance. Review status: criteria provided, multiple submitters, no conflicts (2 of 4 stars). 2 submissions from 2 submitters: Uncertain significance (2). Last evaluated 2022-11-10.

Conditions:
Hereditary cancer-predisposing syndrome. Also called: Tumor predisposition; Hereditary neoplastic syndrome; Neoplastic Syndromes, Hereditary; Hereditary Cancer Syndrome. Identifiers: Orphanet 140162, MedGen C0027672, MeSH D009386, MONDO:0015356.
Ataxia-telangiectasia syndrome (AT). Also called: Ataxia-telangiectasia, complementation group D; AT, COMPLEMENTATION GROUP C; ATAXIA-TELANGIECTASIA, COMPLEMENTATION GROUP A; ATAXIA-TELANGIECTASIA, FRESNO VARIANT; Ataxia-telangiectasia; LOUIS-BAR SYNDROME. Identifiers: Orphanet 100, MedGen C0004135, MONDO:0008840, OMIM 208900.

gnomAD v4.1: 2 of 1,614,158 alleles (0.00012%); highest among the groups gnomAD compares: Non-Finnish European, 0.00017%; no homozygotes.

Submissions (2):

Labcorp Genetics (formerly Invitae), Labcorp
Classification: Uncertain significance for Ataxia-telangiectasia syndrome. Last evaluated: 2022-11-10. Review status: criteria provided, single submitter. Criteria: Invitae Variant Classification Sherloc (09022015). Collection method: clinical testing. Allele origin: germline.
Comment: This sequence change replaces cysteine, which is neutral and slightly polar, with phenylalanine, which is neutral and non-polar, at codon 2488 of the ATM protein (p.Cys2488Phe). In summary, the available evidence is currently insufficient to determine the role of this variant in disease. Therefore, it has been classified as a Variant of Uncertain Significance. Algorithms developed to predict the effect of missense changes on protein structure and function are either unavailable or do not agree on the potential impact of this missense change (SIFT: "Deleterious"; PolyPhen-2: "Possibly Damaging"; Align-GVGD: "Class C0"). ClinVar contains an entry for this variant (Variation ID: 648903). This missense change has been observed in individual(s) with breast cancer (PMID: 19781682). This variant is not present in population databases (gnomAD no frequency).

Ambry Genetics
Classification: Uncertain significance for Hereditary cancer-predisposing syndrome. Last evaluated: 2021-01-24. Review status: criteria provided, single submitter. Criteria: Ambry Variant Classification Scheme 2023. Collection method: clinical testing. Allele origin: germline.
Comment: The p.C2488F variant (also known as c.7463G>T), located in coding exon 49 of the ATM gene, results from a G to T substitution at nucleotide position 7463. The cysteine at codon 2488 is replaced by phenylalanine, an amino acid with highly dissimilar properties. This variant has been identified in an individual with breast cancer (Tavtigian SV et al. Am J Hum Genet, 2009 Oct;85:427-46). This amino acid position is well conserved in available vertebrate species. In addition, the in silico prediction for this alteration is inconclusive. Since supporting evidence is limited at this time, the clinical significance of this alteration remains unclear.

Literature cited by the submitters: PubMed 19781682 (cited by Labcorp Genetics (formerly Invitae), Labcorp and Ambry Genetics).

NM_000051.4(ATM):c.7463G>T (p.Cys2488Phe)

Genes: ATM (ATM serine/threonine kinase; plus strand), C11orf65 (chromosome 11 open reading frame 65; minus strand). Cytogenetic location: 11q22.3.
Variant type: single nucleotide variant.
Coding change: c.7463G>T on transcript NM_000051.4 (MANE Select); coding-DNA position 7463, G replaced by T.
Protein change: p.Cys2488Phe; replaces cysteine 2488 with phenylalanine.
Molecular consequence: missense variant. On other transcripts: intron variant (2).
Genome position (GRCh38, 1-based): chr11:108,330,369, G>T. VCF-style: chr11-108330369-G-T. GRCh37 (hg19) VCF-style: chr11-108201096-G-T.
Other names: c.641-21298C>A (NM_001330368.2); c.*38+4851C>A (NM_001351110.2); c.7463G>T, p.Cys2488Phe (NM_001351834.2); short protein forms C2488F.
Identifiers: ClinVar variation 648903 (VCV000648903.11), dbSNP rs774281788, ClinGen allele CA382560403.